The following is an entry in ClinVar:

ClinVar aggregate classification (germline): Uncertain significance (1 of 4 stars; one submission).

Conditions:
Hereditary spastic paraplegia 39 (SPG39). Also called: Spastic Paraplegia Type 39 (SPG39); SPASTIC PARAPLEGIA 39, AUTOSOMAL RECESSIVE. Identifiers: Orphanet 139480, MedGen C2677586, MONDO:0012787, OMIM 612020.

Allele frequency attached by ClinVar (database versions not stated): gnomAD exomes below 0.00001; gnomAD 0.00001.
gnomAD v4.1: 3 of 1,613,604 alleles (0.00019%); highest among the groups gnomAD compares: African/African-American, 0.0013%; no homozygotes.

Submission:

Labcorp Genetics (formerly Invitae), Labcorp
Classification: Uncertain significance for Hereditary spastic paraplegia 39. Last evaluated: 2022-05-25. Review status: criteria provided, single submitter. Criteria: Invitae Variant Classification Sherloc (09022015). Collection method: clinical testing. Allele origin: germline.
Comment: In summary, the available evidence is currently insufficient to determine the role of this variant in disease. Therefore, it has been classified as a Variant of Uncertain Significance. Algorithms developed to predict the effect of missense changes on protein structure and function are either unavailable or do not agree on the potential impact of this missense change (SIFT: "Tolerated"; PolyPhen-2: "Probably Damaging"; Align-GVGD: "Class C0"). This variant has not been reported in the literature in individuals affected with PNPLA6-related conditions. This variant is not present in population databases (gnomAD no frequency). This sequence change replaces arginine, which is basic and polar, with histidine, which is basic and polar, at codon 394 of the PNPLA6 protein (p.Arg394His).

NM_001166114.2(PNPLA6):c.1298G>A (p.Arg433His)

Gene: PNPLA6 (patatin like domain 6, lysophospholipase; plus strand). Cytogenetic location: 19p13.2.
Variant type: single nucleotide variant.
Coding change: c.1298G>A on transcript NM_001166114.2 (MANE Select); coding-DNA position 1298, G replaced by A.
Protein change: p.Arg433His; replaces arginine 433 with histidine.
Molecular consequence: missense variant.
Genome position (GRCh38, 1-based): chr19:7,542,606, G>A. VCF-style: chr19-7542606-G-A. GRCh37 (hg19) VCF-style: chr19-7607492-G-A.
Other names: c.1325G>A, p.Arg442His (NM_001166111.2); c.1181G>A, p.Arg394His (NM_001166112.2, NM_001166113.1, NM_006702.5); short protein forms R394H, R433H, R442H.
Identifiers: ClinVar variation 2067674 (VCV002067674.3), dbSNP rs2023203442, ClinGen allele CA403111748.